The following is an entry in ClinVar:

NM_000055.4(BCHE):c.990del (p.Met330fs)

Gene: BCHE (butyrylcholinesterase; minus strand). Cytogenetic location: 3q26.1.
Variant type: Deletion.
Coding change: c.990del on transcript NM_000055.4 (MANE Select); coding-DNA position 990, one base deleted (G; older notation c.990delG).
Protein change: p.Met330fs; shifts the reading frame from methionine 330.
Molecular consequence: frameshift variant. On other transcripts: non-coding transcript variant (1).
Genome position (GRCh38, 1-based): chr3:165,830,044, C deleted on the plus strand (G on the coding strand, the reverse complement: BCHE is on the minus strand). VCF-style (leftmost placement, unchanged base first): chr3-165830043-GC-G. GRCh37 (hg19) VCF-style: chr3-165547831-GC-G.
Other names: short protein forms M330fs.
Identifiers: ClinVar variation 5003846 (VCV005003846.1).

ClinVar aggregate classification (germline): Pathogenic (1 of 4 stars; one submission).

Conditions:
Deficiency of butyrylcholinesterase (BCHED). Also called: BCHE, silent 1; Acholinesterasemia; Butyrylcholinesterase deficiency; Deficiency of butyrylcholine esterase. Identifiers: Orphanet 132, MedGen C1283400, MONDO:0015270, OMIM 617936.

Submission:

Myriad Genetics, Inc.
Classification: Pathogenic for Deficiency of butyrylcholinesterase. Last evaluated: 2026-08-25. Review status: criteria provided, single submitter. Criteria: Myriad Autosomal Dominant, Autosomal Recessive and X-Linked Classification Criteria (2023). Collection method: clinical testing. Allele origin: unknown.
Comment: NM_000055.2(BCHE):c.990delG(M330Ifs*29) is a frameshift variant classified as pathogenic in the context of pseudocholinesterase deficiency. M330Ifs*29 has not been observed in cases with relevant disease. Relevant functional assessments of this variant are not available in the literature. M330Ifs*29 has not been observed in referenced population frequency databases. In summary, NM_000055.2(BCHE):c.990delG(M330Ifs*29) is a frameshift variant in a gene where loss of function is a known mechanism of disease and is predicted to disrupt protein function. Please note: this variant was assessed in the context of healthy population screening.